The following is an entry in ClinVar:

NM_001792.5(CDH2):c.1944T>G (p.Ile648Met)

Gene: CDH2 (cadherin 2; minus strand). Cytogenetic location: 18q12.1.
Variant type: single nucleotide variant.
Coding change: c.1944T>G on transcript NM_001792.5 (MANE Select); coding-DNA position 1944, T replaced by G.
Protein change: p.Ile648Met; replaces isoleucine 648 with methionine.
Molecular consequence: missense variant.
Genome position (GRCh38, 1-based): chr18:27,985,559, A>C on the plus strand (T>G on the coding strand, the complement: CDH2 is on the minus strand). VCF-style: chr18-27985559-A-C. GRCh37 (hg19) VCF-style: chr18-25565523-A-C.
Other names: c.1944T>G (NM_001792.4); c.1851T>G, p.Ile617Met (NM_001308176.2); short protein forms I617M, I648M.
Identifiers: ClinVar variation 3010022 (VCV003010022.4), dbSNP rs2510793022, ClinGen allele CA402107227.

ClinVar aggregate classification (germline): Uncertain significance. Review status: criteria provided, multiple submitters, no conflicts (2 of 4 stars). 2 submissions from 2 submitters: Uncertain significance (2). Last evaluated 2024-09-24.

Allele frequency attached by ClinVar (database versions not stated): gnomAD exomes below 0.00001.
gnomAD v4.1: 1 of 1,612,884 alleles (0.000062%); highest among the groups gnomAD compares: Non-Finnish European, 0.000085%; no homozygotes.

Submissions (2):

GeneDx
Classification: Uncertain significance. Last evaluated: 2024-09-24. Review status: criteria provided, single submitter. Criteria: GeneDx Variant Classification Process June 2021. Collection method: clinical testing. Allele origin: germline. Affected: yes.
Comment: Not observed at significant frequency in large population cohorts (gnomAD); In silico analysis indicates that this missense variant does not alter protein structure/function; Has not been previously published as pathogenic or benign to our knowledge

Labcorp Genetics (formerly Invitae), Labcorp
Classification: Uncertain significance. Last evaluated: 2023-10-14. Review status: criteria provided, single submitter. Criteria: Invitae Variant Classification Sherloc (09022015). Collection method: clinical testing. Allele origin: germline.
Comment: This sequence change replaces isoleucine, which is neutral and non-polar, with methionine, which is neutral and non-polar, at codon 648 of the CDH2 protein (p.Ile648Met). This variant is not present in population databases (gnomAD no frequency). This variant has not been reported in the literature in individuals affected with CDH2-related conditions. An algorithm developed to predict the effect of missense changes on protein structure and function (PolyPhen-2) suggests that this variant is likely to be tolerated. In summary, the available evidence is currently insufficient to determine the role of this variant in disease. Therefore, it has been classified as a Variant of Uncertain Significance.